The following is an entry in ClinVar:

ClinVar aggregate classification (germline): Uncertain significance (1 of 4 stars; one submission).

Conditions:
Lower motor neuron syndrome with late-adult onset (SMAJ). Also called: Spinal muscular atrophy, Jokela type; Late-Onset Spinal Motor Neuronopathy (SMAJ). Identifiers: Orphanet 276435, MedGen C3554398, MONDO:0014025, OMIM 615048.
Frontotemporal dementia and/or amyotrophic lateral sclerosis 2. Also called: FTDALS2. Identifiers: Orphanet 275872, MedGen C4014648, MONDO:0014395, OMIM 615911.
Autosomal dominant mitochondrial myopathy with exercise intolerance (IMMD). Also called: Myopathy, isolated mitochondrial, autosomal dominant. Identifiers: Orphanet 457050, MedGen C4015513, MONDO:0014532, OMIM 616209.

Allele frequency attached by ClinVar (database versions not stated): TOPMed 0.00001.

Submission:

Labcorp Genetics (formerly Invitae), Labcorp
Classification: Uncertain significance for Lower motor neuron syndrome with late-adult onset; Frontotemporal dementia and/or amyotrophic lateral sclerosis 2; Autosomal dominant mitochondrial myopathy with exercise intolerance. Last evaluated: 2023-06-30. Review status: criteria provided, single submitter. Criteria: Invitae Variant Classification Sherloc (09022015). Collection method: clinical testing. Allele origin: germline.
Comment: In summary, the available evidence is currently insufficient to determine the role of this variant in disease. Therefore, it has been classified as a Variant of Uncertain Significance. An algorithm developed to predict the effect of missense changes on protein structure and function (PolyPhen-2) suggests that this variant is likely to be disruptive. ClinVar contains an entry for this variant (Variation ID: 1435510). This missense change has been observed in individual(s) with clinical features of CHCHD10-related conditions (Invitae). This variant is not present in population databases (gnomAD no frequency). This sequence change replaces cysteine, which is neutral and slightly polar, with arginine, which is basic and polar, at codon 112 of the CHCHD10 protein (p.Cys112Arg).

NM_213720.3(CHCHD10):c.334T>C (p.Cys112Arg)

Gene: CHCHD10 (coiled-coil-helix-coiled-coil-helix domain containing 10; minus strand). Cytogenetic location: 22q11.23.
Variant type: single nucleotide variant.
Coding change: c.334T>C on transcript NM_213720.3 (MANE Select); coding-DNA position 334, T replaced by C.
Protein change: p.Cys112Arg; replaces cysteine 112 with arginine.
Molecular consequence: missense variant. On other transcripts: non-coding transcript variant (2).
Genome position (GRCh38, 1-based): chr22:23,766,203, A>G on the plus strand (T>C on the coding strand, the complement: CHCHD10 is on the minus strand). VCF-style: chr22-23766203-A-G. GRCh37 (hg19) VCF-style: chr22-24108390-A-G.
Other names: c.355T>C, p.Cys119Arg (NM_001301339.2); short protein forms C119R, C112R.
Identifiers: ClinVar variation 1435510 (VCV001435510.8), dbSNP rs964013488, ClinGen allele CA322572673.